The following is an entry in ClinVar:

NM_001844.5(COL2A1):c.3996del (p.Lys1333fs)

Gene: COL2A1 (collagen type II alpha 1 chain; minus strand). Cytogenetic location: 12q13.11.
Variant type: Deletion.
Coding change: c.3996del on transcript NM_001844.5 (MANE Select); coding-DNA position 3996, one base deleted (C; older notation c.3996delC).
Protein change: p.Lys1333fs; shifts the reading frame from lysine 1333.
Molecular consequence: frameshift variant.
Genome position (GRCh38, 1-based): chr12:47,974,753, G deleted on the plus strand (C on the coding strand, the reverse complement: COL2A1 is on the minus strand); the first of 3 consecutive G bases (chr12:47,974,753-47,974,755); deleting any one gives the same sequence. VCF-style (leftmost placement, unchanged base first): chr12-47974752-TG-T. GRCh37 (hg19) VCF-style: chr12-48368535-TG-T.
Other names: c.3789del, p.Lys1264fs (NM_033150.3); short protein forms K1264fs, K1333fs.
Identifiers: ClinVar variation 1071652 (VCV001071652.10), dbSNP rs2136508368, ClinGen allele CA2499221647.

ClinVar aggregate classification (germline): Pathogenic/Likely pathogenic. Review status: criteria provided, multiple submitters, no conflicts (2 of 4 stars). 2 submissions from 2 submitters: Pathogenic (1); Likely pathogenic (1). Last evaluated 2020-08-11.

Conditions:
COL2A1-related disorder. Also called: COL2A1-related condition; COL2A1-related disorders.

Submissions (2):

Labcorp Genetics (formerly Invitae), Labcorp
Classification: Pathogenic. Last evaluated: 2020-08-11. Review status: criteria provided, single submitter. Criteria: Invitae Variant Classification Sherloc (09022015). Collection method: clinical testing. Allele origin: germline.
Comment: For these reasons, this variant has been classified as Pathogenic. This sequence change creates a premature translational stop signal (p.Lys1333Argfs*43) in the COL2A1 gene. It is expected to result in an absent or disrupted protein product. This variant is not present in population databases (ExAC no frequency). This variant has been observed in individual(s) with Stickler syndrome (Invitae). Loss-of-function variants in COL2A1 are known to be pathogenic (PMID: 20179744).

Blueprint Genetics
Classification: Likely pathogenic for COL2A1-related disorders. Last evaluated: 2020-01-17. Review status: criteria provided, single submitter. Criteria: ACMG Guidelines, 2015. Collection method: clinical testing. Allele origin: germline. Affected: yes. Observed: 1 variant allele.

Literature cited by the submitters: PubMed 20179744 (cited by Labcorp Genetics (formerly Invitae), Labcorp).